The following is an entry in ClinVar:

NM_006150.5(PRICKLE3):c.909C>T (p.Tyr303=)

Gene: PRICKLE3 (prickle planar cell polarity protein 3; minus strand). Cytogenetic location: Xp11.23.
Variant type: single nucleotide variant.
Coding change: c.909C>T on transcript NM_006150.5 (MANE Select); coding-DNA position 909, C replaced by T.
Protein change: p.Tyr303=; no amino-acid change (tyrosine 303 retained).
Molecular consequence: synonymous variant.
Genome position (GRCh38, 1-based): chrX:49,178,039, G>A on the plus strand (C>T on the coding strand, the complement: PRICKLE3 is on the minus strand). VCF-style: chrX-49178039-G-A. GRCh37 (hg19) VCF-style: chrX-49034388-G-A.
Other names: c.705C>T, p.Tyr235= (NM_001307979.2).
Identifiers: ClinVar variation 2660514 (VCV002660514.24), dbSNP rs782087627, ClinGen allele CA10409510.
Genomic context (GRCh38, chrX:49,178,039, plus strand): 5'-CAGCATTCACCCACCGATGTGCTCCCCACAGCCATCACAGTACTCCGCGTGGCGGGCCTC[G>A]TAGCAGGCGCAGCAGTGGGGGCGGCTCTGACGCATGACATAGCGCTGCCCTCCTAGTGAA-3'
Protein context (NP_006141.2, residues 293-313): RQSRPHCCAC[Tyr303=]EARHAEYCDG

ClinVar aggregate classification (germline): Likely benign (1 of 4 stars; one submission).

Allele frequency attached by ClinVar (database versions not stated): ExAC 0.00003; gnomAD 0.00004; gnomAD exomes 0.00006; TOPMed 0.00006.
gnomAD v4.1: 65 of 1,154,021 alleles (0.0056%); highest among the groups gnomAD compares: Non-Finnish European, 0.0073%; no homozygotes.

Submission:

CeGaT Center for Human Genetics Tuebingen
Classification: Likely benign. Last evaluated: 2023-03-01. Review status: criteria provided, single submitter. Criteria: CeGaT Center For Human Genetics Tuebingen Variant Classification Criteria Version 2. Collection method: clinical testing. Allele origin: germline. Affected: yes. Observed: 1 variant allele.
Comment: PRICKLE3: BP4, BP7, BS2